The following is an entry in ClinVar:

ClinVar aggregate classification (germline): Uncertain significance (1 of 4 stars; one submission).

Submission:

Labcorp Genetics (formerly Invitae), Labcorp
Classification: Uncertain significance. Last evaluated: 2020-02-15. Review status: criteria provided, single submitter. Criteria: Invitae Variant Classification Sherloc (09022015). Collection method: clinical testing. Allele origin: germline.
Comment: This sequence change replaces leucine with valine at codon 854 of the CTNNA1 protein (p.Leu854Val). The leucine residue is highly conserved and there is a small physicochemical difference between leucine and valine. This variant is not present in population databases (ExAC no frequency). This variant has not been reported in the literature in individuals with CTNNA1-related conditions. Algorithms developed to predict the effect of missense changes on protein structure and function are either unavailable or do not agree on the potential impact of this missense change (SIFT: "Deleterious"; PolyPhen-2: "Benign"; Align-GVGD: "Class C0"). In summary, the available evidence is currently insufficient to determine the role of this variant in disease. Therefore, it has been classified as a Variant of Uncertain Significance.

NM_001903.5(CTNNA1):c.2560C>G (p.Leu854Val)

Gene: CTNNA1 (catenin alpha 1; plus strand). Cytogenetic location: 5q31.2.
Variant type: single nucleotide variant.
Coding change: c.2560C>G on transcript NM_001903.5 (MANE Select); coding-DNA position 2560, C replaced by G.
Protein change: p.Leu854Val; replaces leucine 854 with valine.
Molecular consequence: missense variant. On other transcripts: 3 prime UTR variant (5).
Genome position (GRCh38, 1-based): chr5:138,933,928, C>G. VCF-style: chr5-138933928-C-G. GRCh37 (hg19) VCF-style: chr5-138269617-C-G.
Other names: c.*105C>G (NM_001290307.3, NM_001324002.1, NM_001324003.1 and 2 more transcripts); c.2251C>G, p.Leu751Val (NM_001290309.3); c.2191C>G, p.Leu731Val (NM_001290310.3); c.1450C>G, p.Leu484Val (NM_001290312.1, NM_001323987.1, NM_001323988.1 and 12 more transcripts); c.2560C>G, p.Leu854Val (NM_001323982.2, NM_001323983.1, NM_001323984.2); c.2533C>G, p.Leu845Val (NM_001323985.2); c.2467C>G, p.Leu823Val (NM_001323986.2); c.1315C>G, p.Leu439Val (NM_001324001.1); and 3 more; short protein forms L371V, L403V, L439V, L453V, L484V, L731V, L751V, L823V.
Identifiers: ClinVar variation 1055723 (VCV001055723.9), dbSNP rs1245307813, ClinGen allele CA361135478.